The following is an entry in ClinVar:

NM_000038.6(APC):c.3189T>C (p.Ser1063=)

Gene: APC (APC regulator of Wnt signaling pathway; plus strand). Cytogenetic location: 5q22.2.
Variant type: single nucleotide variant.
Coding change: c.3189T>C on transcript NM_000038.6 (MANE Select); coding-DNA position 3189, T replaced by C.
Protein change: p.Ser1063=; no amino-acid change (serine 1063 retained).
Molecular consequence: synonymous variant.
Genome position (GRCh38, 1-based): chr5:112,838,783, T>C. VCF-style: chr5-112838783-T-C. GRCh37 (hg19) VCF-style: chr5-112174480-T-C.
Other names: c.3189T>C, p.Ser1063= (NM_001127510.3, NM_001354895.2); c.3135T>C, p.Ser1045= (NM_001127511.3); c.3243T>C, p.Ser1081= (NM_001354896.2); c.3219T>C, p.Ser1073= (NM_001354897.2); c.3114T>C, p.Ser1038= (NM_001354898.2); c.3105T>C, p.Ser1035= (NM_001354899.2); c.3066T>C, p.Ser1022= (NM_001354900.2); c.3012T>C, p.Ser1004= (NM_001354901.2); and 5 more.
Identifiers: ClinVar variation 469913 (VCV000469913.11), dbSNP rs1554084833, ClinGen allele CA445963223.
Genomic context (GRCh38, chr5:112,838,783, plus strand): 5'-TTCACAGAATGAAAGATGGGCAAGACCCAAACACATAATAGAAGATGAAATAAAACAAAG[T>C]GAGCAAAGACAATCAAGGAATCAAAGTACAACTTATCCTGTTTATACTGAGAGCACTGAT-3'
Protein context (NP_000029.2, residues 1053-1073): KHIIEDEIKQ[Ser1063=]EQRQSRNQST

ClinVar aggregate classification (germline): Likely benign. Review status: criteria provided, multiple submitters, no conflicts (2 of 4 stars). 2 submissions from 2 submitters: Likely benign (2). Last evaluated 2023-12-13.

Conditions:
Familial adenomatous polyposis 1 (FAP1). Also called: POLYPOSIS, ADENOMATOUS INTESTINAL; FAMILIAL ADENOMATOUS POLYPOSIS 1, ATTENUATED. Identifiers: MedGen C2713442, MONDO:0021056, OMIM 175100. Disease mechanism: loss of function.
Classic or attenuated familial adenomatous polyposis. Identifiers: MedGen CN372698, MONDO:0021057.

Allele frequency attached by ClinVar (database versions not stated): gnomAD exomes below 0.00001.
gnomAD v4.1: 1 of 1,614,114 alleles (0.000062%); highest among the groups gnomAD compares: Non-Finnish European, 0.000085%; no homozygotes.

Submissions (2):

All of Us Research Program, National Institutes of Health
Classification: Likely benign for Classic or attenuated familial adenomatous polyposis. Last evaluated: 2023-12-13. Review status: criteria provided, single submitter. Criteria: ACMG Guidelines, 2015. Collection method: clinical testing. Allele origin: germline. Inheritance: Autosomal dominant inheritance. Observed: 1 variant allele, 1 heterozygote.
Comment: This study involves interpretation of variants in research participants for the purpose of population health screening. Participant phenotype was not available at the time of variant classification. Additional details can be found in publication PMID: 35346344, PMCID: PMC8962531

Labcorp Genetics (formerly Invitae), Labcorp
Classification: Likely benign for Familial adenomatous polyposis 1. Last evaluated: 2023-07-17. Review status: criteria provided, single submitter. Criteria: Invitae Variant Classification Sherloc (09022015). Collection method: clinical testing. Allele origin: germline.